The following continues an entry in ClinVar:

NM_002693.3(POLG):c.830A>T (p.His277Leu)

Gene: POLG. ClinVar aggregate classification (germline): Conflicting classifications of pathogenicity. Pathogenic (3); Likely pathogenic (10); Uncertain significance (9).

Submissions 9 to 23 of 25:

Women's Health and Genetics/Laboratory Corporation of America, LabCorp
Classification: Uncertain significance. Last evaluated: 2025-05-19. Review status: criteria provided, single submitter. Criteria: LabCorp Variant Classification Summary - May 2015. Collection method: clinical testing. Allele origin: germline.
Comment: Variant summary: POLG c.830A>T (p.His277Leu) results in a non-conservative amino acid change located in the DNA mitochondrial polymerase, exonuclease domain (IPR041336) of the encoded protein sequence. Algorithms developed to predict the effect of missense changes on protein structure and function all suggest that this variant is likely to be disruptive. The variant allele was found at a frequency of 0.00038 in 251244 control chromosomes, predominantly at a frequency of 0.00071 within the Non-Finnish European subpopulation in the gnomAD database. This frequency is not significantly higher than estimated for a pathogenic variant in POLG causing Mitochondrial DNA Depletion Syndrome - POLG Related (0.00038 vs 0.0035), allowing no conclusion about variant significance. c.830A>T has been reported in the literature as a compound heterozygous genotype in individuals affected with POLG-Related Spectrum Disorders, including Alpers syndrome and progressive external ophthalmoplegia (PEO) (e.g. Ashley_2008, Sato_2011, McKelvie_2012). In addition, it has also been reported as a complex allele (i.e. in cis) with another (potentially) pathogenic POLG variant (p.R232H) in at least 4 individuals, who were affected with infantile hepatopathy (Hunter_2011) or Sensory Ataxic Neuropathy, Dysarthria and Ophthalmoparesis (SANDO) (Bereau_2016); all of these individuals carried a (likely) pathogenic variant in trans. These data indicate that the variant may be associated with disease. Publications also reported experimental evidence evaluating an impact on protein function, one showing no damaging effect of this variant in its ability to bind and synthesize DNA and in its exonuclease and strand displacement activity (Macao_2015), while another demonstrating partially reduced exonuclease activity (Kasahara_2017). The following publications have been ascertained in the context of this evaluation (PMID: 18487244, 27538604, 22000311, 27987238, 33791913, 26095671, 35114397, 22357363, 30451971, 38294884, 21301859, 21880868, 30609409, 34690748, 38534782, 28337550, 30478137, 35478072, 30941926, 36353900, 35292633, 25724872, 20558295, 24508722, 31921313, 36838782, 25203713, 31440721, 33809641, 32183364, 24642831, 24828792). ClinVar contains an entry for this variant (Variation ID: 206583). Based on the evidence outlined above, the variant was classified as VUS-possibly pathogenic.

Athena Diagnostics
Classification: Uncertain significance. Last evaluated: 2025-02-14. Review status: criteria provided, single submitter. Criteria: Athena Diagnostics Criteria. Collection method: clinical testing. Allele origin: unknown.
Comment: Available data are insufficient to determine the clinical significance of the variant at this time. The frequency of this variant in the general population is uninformative in assessment of its pathogenicity. This variant has been identified in at least one individual with clinical features associated with this gene. Assessment of experimental evidence regarding the effect of this variant on protein function suggests it has no effect relevant to disease. (PMID: 26095671) In multiple individuals, this variant has been seen where an alternate explanation for disease was also identified, suggesting this variant is unlikely to cause disease.

Blueprint Genetics
Classification: Uncertain significance. Last evaluated: 2024-11-25. Review status: criteria provided, single submitter. Criteria: ACMG Guidelines, 2015. Collection method: clinical testing. Allele origin: germline.

Fulgent Genetics
Classification: Likely pathogenic for Progressive external ophthalmoplegia with mitochondrial DNA deletions, autosomal dominant 1; Progressive sclerosing poliodystrophy; Progressive external ophthalmoplegia with mitochondrial DNA deletions, autosomal recessive 1; Sensory ataxic neuropathy, dysarthria, and ophthalmoparesis; Mitochondrial DNA depletion syndrome 4b. Last evaluated: 2024-06-13. Review status: criteria provided, single submitter. Criteria: ACMG Guidelines, 2015. Collection method: clinical testing. Allele origin: germline.

Baylor Genetics
Classification: Likely pathogenic for Progressive sclerosing poliodystrophy. Last evaluated: 2024-03-30. Review status: criteria provided, single submitter. Criteria: ACMG Guidelines, 2015. Collection method: clinical testing. Allele origin: unknown.

Greenwood Genetic Center Diagnostic Laboratories, Greenwood Genetic Center
Classification: Uncertain significance. Last evaluated: 2023-02-28. Review status: criteria provided, single submitter. Criteria: ACMG Guidelines, 2015. Collection method: clinical testing. Allele origin: germline. Affected: yes.
Comment: PM3, PP1

Department of Pathology and Laboratory Medicine, Sinai Health System
Classification: Likely pathogenic for Progressive external ophthalmoplegia with mitochondrial DNA deletions, autosomal dominant 1; Progressive sclerosing poliodystrophy; Progressive external ophthalmoplegia with mitochondrial DNA deletions, autosomal recessive 1; Mitochondrial DNA depletion syndrome 1; Sensory ataxic neuropathy, dysarthria, and ophthalmoparesis; Mitochondrial DNA depletion syndrome 4b. Last evaluated: 2022-11-14. Review status: criteria provided, single submitter. Criteria: ACMG Guidelines, 2015. Collection method: research. Allele origin: germline.

AiLife Diagnostics
Classification: Likely pathogenic. Last evaluated: 2022-02-28. Review status: criteria provided, single submitter. Criteria: ACMG Guidelines, 2015. Collection method: clinical testing. Allele origin: germline. Affected: yes. Observed: 2 variant alleles.

Revvity Omics, Revvity
Classification: Uncertain significance. Last evaluated: 2020-11-27. Review status: criteria provided, single submitter. Criteria: ACMG Guidelines, 2015. Collection method: clinical testing. Allele origin: germline.

Wong Mito Lab, Molecular and Human Genetics, Baylor College of Medicine
Classification: Likely pathogenic for Progressive sclerosing poliodystrophy. Last evaluated: 2018-10-01. Review status: criteria provided, single submitter. Criteria: ACMG Guidelines, 2015. Collection method: clinical testing. Allele origin: germline.
Comment: The NM_002693.2:c.830A>T (NP_002684.1:p.His277Leu) [GRCH38: NC_000015.10:g.89330106T>A] variant in POLG gene is interpretated to be a Likely Pathogenic based on ACMG guidelines (PMID: 25741868). This variant has been reported in PMID:18487244 . This variant meets the following evidence codes reported in the ACMG-guideline. PM2:This variant is absent in key population databases. PM3:Detected in trans with a pathogenic variant for Mitochondrial DNA depletion syndrome 4A (Alpers type) which is a recessive disorder. PP1:This variant is co-segregated with Mitochondrial DNA depletion syndrome 4A (Alpers type) in multiple affected family members. PP2:This is a missense variant in POLG with a low rate of benign and high rate of pathogenic missense variations. PP4:Patient's phenotype or family history is highly specific for POLG. Based on the evidence criteria codes applied, the variant is suggested to be Likely Pathogenic.

Eurofins Ntd Llc (ga)
Classification: Uncertain significance. Last evaluated: 2018-03-02. Review status: criteria provided, single submitter. Criteria: EGL ClinVar v180209 classification definitions. Collection method: clinical testing. Allele origin: germline. Observed: 2 variant alleles, 2 heterozygotes.

Center for Pediatric Genomic Medicine, Children's Mercy Hospital and Clinics
Classification: Uncertain significance. Last evaluated: 2017-10-05. Review status: criteria provided, single submitter. Criteria: ACMG Guidelines, 2015. Collection method: clinical testing. Allele origin: germline.

Laboratory for Molecular Medicine, Mass General Brigham Personalized Medicine
Classification: Likely pathogenic for Mitochondrial DNA depletion syndrome. Last evaluated: 2016-05-15. Review status: criteria provided, single submitter. Criteria: LMM Criteria. Collection method: clinical testing. Allele origin: germline. Inheritance: Autosomal recessive inheritance. Observed: 1 variant allele.
Comment: The p.His277Leu variant in POLG has been previously reported in one child with A lpers syndrome (Ashley 2008), one patient with progressive external ophthalmople gia and parkinsonism (Sato 2011), one patient with mitochondrial DNA depletion s yndrome presenting as sensory ataxic neuropathy with cerebellar features (McKelv ie 2012). All three patients were compound heterozygotes. This variant has been identified in 48/121174 of chromosomes by the Exome Aggregation Consortium (ExAC; dbSNP rs138929605). Although this variant has been seen in the general population, its frequency is low enough to be consisten t with a recessive carrier frequency. Computational prediction tools and conserv ation analysis do not provide strong support for or against an impact to the pro tein. In summary, although additional studies are required to fully establish it s clinical significance, the p.His277Leu variant is likely pathogenic.

Baylor Genetics
Classification: Likely pathogenic for Progressive sclerosing poliodystrophy; Mitochondrial DNA depletion syndrome 4b. Review status: criteria provided, single submitter. Criteria: ACMG Guidelines, 2015. Collection method: clinical testing. Allele origin: germline.

Practice for Gait Abnormalities, David Pomarino, Competency Network Toe Walking C/o Practice Pomarino
Classification: Likely pathogenic for Tip-toe gait. Last evaluated: 2021-09-08. Review status: no assertion criteria provided. Collection method: clinical testing. Allele origin: germline. Affected: yes. Not counted in ClinVar's aggregate classification.
Comment: Hereditary motor sensory neuropathy (HMSN), also known as Charcot-Marie-Tooth Disease (CMT), is the most commonly inherited peripheral polyneuropathy. It constitutes a group of inherited, progressive, motor and sensory peripheral nerve disorders with properties of demyelination, axonal degeneration, or both. It is classified by clinical characteristics, modes of inheritance, electrophysiologic features, metabolic defects, and specific gene markers. Our patients all walk on tiptoe, so they show similar symptoms. When we genetically test them with our toe walking panel, we find that around 90 per cent of them have a genetic variant that explains their toe walking. These can be assigned, for example, to the area of myopathies (such as variants of the COL6A3 gene), the area of hereditary neuropathies (such as variants of the KMT2C gene) or the area of metabolic diseases (such as variants of the PYGM gene). In a smaller group of patients with almost identical symptoms, no abnormality is found in the genes of our panel, but spastic paraplegia can be detected. In another small group of our toe walkers, no abnormalities can be detected in the genes analysed in our toe walking panel, nor do they suffer from spastic paraplegia, as is also the case with healthy children. In contrast to these, however, they show a tiptoe gait. These patients suffer from infantile cerebral palsy, in which toe walking can also be observed.